The following is an entry in ClinVar:

ClinVar aggregate classification (germline): Uncertain significance. Review status: criteria provided, multiple submitters, no conflicts (2 of 4 stars). 2 submissions from 2 submitters: Uncertain significance (2). Last evaluated 2024-06-18.

Conditions:
Intellectual developmental disorder, autosomal dominant 6, with or without seizures. Also called: GRIN2B-related developmental delay, intellectual disability and autism spectrum disorder; Intellectual disability, autosomal dominant 6. Identifiers: Orphanet 589547, MedGen C3151411, MONDO:0013509, OMIM 613970.
Developmental and epileptic encephalopathy, 27 (DEE27). Also called: GRIN2B-Related Neurodevelopmental Disorder; Epileptic encephalopathy, early infantile, 27. Identifiers: Orphanet 3451, MedGen C4015316, MONDO:0014505, OMIM 616139.

gnomAD v4.1: 4 of 1,613,504 alleles (0.00025%); highest among the groups gnomAD compares: Admixed American, 0.0017%; no homozygotes.

Submissions (2):

GeneDx
Classification: Uncertain significance. Last evaluated: 2024-06-18. Review status: criteria provided, single submitter. Criteria: GeneDx Variant Classification Process June 2021. Collection method: clinical testing. Allele origin: germline. Affected: yes.
Comment: In silico analysis indicates that this missense variant does not alter protein structure/function; Has not been previously published as pathogenic or benign to our knowledge

Labcorp Genetics (formerly Invitae), Labcorp
Classification: Uncertain significance for Developmental and epileptic encephalopathy, 27; Intellectual developmental disorder, autosomal dominant 6, with or without seizures. Last evaluated: 2020-11-24. Review status: criteria provided, single submitter. Criteria: Invitae Variant Classification Sherloc (09022015). Collection method: clinical testing. Allele origin: germline.
Comment: This sequence change replaces alanine with threonine at codon 1414 of the GRIN2B protein (p.Ala1414Thr). The alanine residue is moderately conserved and there is a small physicochemical difference between alanine and threonine. In summary, the available evidence is currently insufficient to determine the role of this variant in disease. Therefore, it has been classified as a Variant of Uncertain Significance. Advanced modeling of protein sequence and biophysical properties (such as structural, functional, and spatial information, amino acid conservation, physicochemical variation, residue mobility, and thermodynamic stability) performed at Invitae indicates that this missense variant is not expected to disrupt GRIN2B protein function. This variant has not been reported in the literature in individuals with GRIN2B-related conditions. This variant is not present in population databases (ExAC no frequency).

NM_000834.5(GRIN2B):c.4240G>A (p.Ala1414Thr)

Gene: GRIN2B (glutamate ionotropic receptor NMDA type subunit 2B; minus strand). Cytogenetic location: 12p13.1.
Variant type: single nucleotide variant.
Coding change: c.4240G>A on transcript NM_000834.5 (MANE Select); coding-DNA position 4240, G replaced by A.
Protein change: p.Ala1414Thr; replaces alanine 1414 with threonine.
Molecular consequence: missense variant.
Genome position (GRCh38, 1-based): chr12:13,562,998, C>T on the plus strand (G>A on the coding strand, the complement: GRIN2B is on the minus strand). VCF-style: chr12-13562998-C-T. GRCh37 (hg19) VCF-style: chr12-13715932-C-T.
Other names: c.4240G>A (NM_000834.3); short protein forms A1414T.
Identifiers: ClinVar variation 1350761 (VCV001350761.9), dbSNP rs140744818, ClinGen allele CA383985870.